The following is an entry in ClinVar:

NM_021224.6(ZNF462):c.4997A>C (p.Lys1666Thr)

Gene: ZNF462 (zinc finger protein 462; plus strand). Cytogenetic location: 9q31.2.
Variant type: single nucleotide variant.
Coding change: c.4997A>C on transcript NM_021224.6 (MANE Select); coding-DNA position 4997, A replaced by C.
Protein change: p.Lys1666Thr; replaces lysine 1666 with threonine.
Molecular consequence: missense variant. On other transcripts: intron variant (1).
Genome position (GRCh38, 1-based): chr9:106,928,909, A>C. VCF-style: chr9-106928909-A-C. GRCh37 (hg19) VCF-style: chr9-109691190-A-C.
Other names: c.3253-1616A>C (NM_001347997.2); short protein forms K1666T.
Identifiers: ClinVar variation 1676566 (VCV001676566.3), dbSNP rs2131508434, ClinGen allele CA374412933.

ClinVar aggregate classification (germline): Uncertain significance (1 of 4 stars; one submission).

Submission:

Greenwood Genetic Center Diagnostic Laboratories, Greenwood Genetic Center
Classification: Uncertain significance. Last evaluated: 2022-02-02. Review status: criteria provided, single submitter. Criteria: ACMG Guidelines, 2015. Collection method: clinical testing. Allele origin: germline. Affected: yes.
Comment: PM2, PP2